The following is an entry in ClinVar:

NM_003119.4(SPG7):c.983T>C (p.Leu328Pro)

Gene: SPG7 (SPG7 matrix AAA peptidase subunit, paraplegin; plus strand). Cytogenetic location: 16q24.3.
Variant type: single nucleotide variant.
Coding change: c.983T>C on transcript NM_003119.4 (MANE Select); coding-DNA position 983, T replaced by C.
Protein change: p.Leu328Pro; replaces leucine 328 with proline.
Molecular consequence: missense variant.
Genome position (GRCh38, 1-based): chr16:89,530,804, T>C. VCF-style: chr16-89530804-T-C. GRCh37 (hg19) VCF-style: chr16-89597212-T-C.
Other names: c.983T>C, p.Leu328Pro (NM_001363850.1, NM_199367.3); short protein forms L328P.
Identifiers: ClinVar variation 465178 (VCV000465178.8), dbSNP rs1555612612, ClinGen allele CA397419267.

ClinVar aggregate classification (germline): Uncertain significance (1 of 4 stars; one submission).

Conditions:
Hereditary spastic paraplegia 7 (SPG7). Also called: SPASTIC PARAPLEGIA 7, AUTOSOMAL RECESSIVE, WITH OR WITHOUT CEREBELLAR ATAXIA; Spastic paraplegia 7; Hereditary spastic paraplegia Paraplegin type; Autosomal recessive spastic paraplegia type 7; SPG7-related neurologic disorder. Identifiers: Orphanet 99013, MedGen C1846564, MONDO:0011803, OMIM 607259.

Allele frequency attached by ClinVar (database versions not stated): gnomAD exomes below 0.00001; TOPMed below 0.00001.
gnomAD v4.1: 1 of 1,614,092 alleles (0.000062%); highest among the groups gnomAD compares: Non-Finnish European, 0.000085%; no homozygotes.

Submission:

Labcorp Genetics (formerly Invitae), Labcorp
Classification: Uncertain significance for Hereditary spastic paraplegia 7. Last evaluated: 2017-02-16. Review status: criteria provided, single submitter. Criteria: Invitae Variant Classification Sherloc (09022015). Collection method: clinical testing. Allele origin: germline.
Comment: In summary, this variant is a novel missense change with uncertain impact on protein function. It has been classified as a Variant of Uncertain Significance. Algorithms developed to predict the effect of missense changes on protein structure and function do not agree on the potential impact of this missense change (SIFT: "Deleterious"; PolyPhen-2: "Probably Damaging"; Align-GVGD: "Class C0"). This variant is not present in population databases (ExAC no frequency) and has not been reported in the literature in individuals with a SPG7-related disease. This sequence change replaces leucine with proline at codon 328 of the SPG7 protein (p.Leu328Pro). The leucine residue is highly conserved and there is a moderate physicochemical difference between leucine and proline.